The following is an entry in ClinVar:

NM_017739.4(POMGNT1):c.938A>G (p.Asn313Ser)

Genes: POMGNT1 (protein O-linked mannose N-acetylglucosaminyltransferase 1 (beta 1,2-); minus strand), TSPAN1 (tetraspanin 1; plus strand). Cytogenetic location: 1p34.1.
Variant type: single nucleotide variant.
Coding change: c.938A>G on transcript NM_017739.4 (MANE Select); coding-DNA position 938, A replaced by G.
Protein change: p.Asn313Ser; replaces asparagine 313 with serine.
Molecular consequence: missense variant.
Genome position (GRCh38, 1-based): chr1:46,193,867, T>C on the plus strand (A>G on the coding strand, the complement: POMGNT1 is on the minus strand). VCF-style: chr1-46193867-T-C. GRCh37 (hg19) VCF-style: chr1-46659539-T-C.
Other names: c.938A>G, p.Asn313Ser (NM_001243766.2, NM_001410783.1); c.872A>G, p.Asn291Ser (NM_001290129.3); c.509A>G, p.Asn170Ser (NM_001290130.2); short protein forms N170S, N291S, N313S.
Identifiers: ClinVar variation 2147099 (VCV002147099.2), dbSNP rs557175651, ClinGen allele CA833566.

ClinVar aggregate classification (germline): Uncertain significance. Review status: criteria provided, multiple submitters, no conflicts (2 of 4 stars). 2 submissions from 2 submitters: Uncertain significance (2). Last evaluated 2023-12-11.

Conditions:
Autosomal recessive limb-girdle muscular dystrophy type 2O. Also called: Limb-Girdle Muscular Dystrophy Type 3C; MUSCULAR DYSTROPHY-DYSTROGLYCANOPATHY (LIMB-GIRDLE), TYPE C, 3; MUSCULAR DYSTROPHY-DYSTROGLYCANOPATHY, LIMB-GIRDLE, POMGNT1-RELATED. Identifiers: Orphanet 206564, MedGen C3150417, MONDO:0013161, OMIM 613157.
Muscular dystrophy-dystroglycanopathy (congenital with impaired intellectual development), type B, 3. Also called: Muscular dystrophy-dystroglycanopathy (congenital with intellectual disability), type B3; MUSCULAR DYSTROPHY, CONGENITAL, POMGNT1-RELATED. Identifiers: MedGen C3150412, MONDO:0013155, OMIM 613151.
Inborn genetic diseases. Identifiers: MedGen C0950123, MeSH D030342.

Allele frequency attached by ClinVar (database versions not stated): gnomAD exomes below 0.00001; ExAC 0.00002; TOPMed 0.00004; gnomAD 0.00005; 1000 Genomes Project 30x 0.00031; 1000 Genomes Project 0.00040.
gnomAD v4.1: 9 of 1,614,086 alleles (0.00056%); highest among the groups gnomAD compares: African/African-American, 0.008%; no homozygotes.

Submissions (2):

Ambry Genetics
Classification: Uncertain significance for Inborn genetic diseases. Last evaluated: 2023-12-11. Review status: criteria provided, single submitter. Criteria: Ambry Variant Classification Scheme 2023. Collection method: clinical testing. Allele origin: germline.

Labcorp Genetics (formerly Invitae), Labcorp
Classification: Uncertain significance for Autosomal recessive limb-girdle muscular dystrophy type 2O; Muscular dystrophy-dystroglycanopathy (congenital with impaired intellectual development), type B, 3. Last evaluated: 2022-07-01. Review status: criteria provided, single submitter. Criteria: Invitae Variant Classification Sherloc (09022015). Collection method: clinical testing. Allele origin: germline.
Comment: This sequence change replaces asparagine, which is neutral and polar, with serine, which is neutral and polar, at codon 313 of the POMGNT1 protein (p.Asn313Ser). This variant is present in population databases (rs557175651, gnomAD 0.008%). This variant has not been reported in the literature in individuals affected with POMGNT1-related conditions. Advanced modeling of protein sequence and biophysical properties (such as structural, functional, and spatial information, amino acid conservation, physicochemical variation, residue mobility, and thermodynamic stability) performed at Invitae indicates that this missense variant is not expected to disrupt POMGNT1 protein function. In summary, the available evidence is currently insufficient to determine the role of this variant in disease. Therefore, it has been classified as a Variant of Uncertain Significance.